The following is an entry in ClinVar:

ClinVar aggregate classification (germline): Uncertain significance. Review status: criteria provided, multiple submitters, no conflicts (2 of 4 stars). 2 submissions from 2 submitters: Uncertain significance (2). Last evaluated 2023-12-11.

Conditions:
Congenital microvillous atrophy (DIAR2). Also called: CONGENITAL FAMILIAL PROTRACTED DIARRHEA WITH ENTEROCYTE BRUSH-BORDER ABNORMALITIES; DAVIDSON DISEASE; MICROVILLUS ATROPHY, CONGENITAL; Microvillus inclusion disease; Diarrhea 2 with microvillus atrophy, with or without cholestasis. Identifiers: Orphanet 2290, MedGen C0341306, MONDO:0009635, OMIM 251850.

Allele frequency attached by ClinVar (database versions not stated): gnomAD below 0.00001 and 0.00001; gnomAD exomes below 0.00001; TOPMed 0.00001.
gnomAD v4.1: 6 of 1,614,130 alleles (0.00037%); highest among the groups gnomAD compares: Admixed American, 0.0017%; no homozygotes.

Submissions (2):

Labcorp Genetics (formerly Invitae), Labcorp
Classification: Uncertain significance. Last evaluated: 2023-12-11. Review status: criteria provided, single submitter. Criteria: Invitae Variant Classification Sherloc (09022015). Collection method: clinical testing. Allele origin: germline.
Comment: This sequence change replaces aspartic acid, which is acidic and polar, with asparagine, which is neutral and polar, at codon 1082 of the MYO5B protein (p.Asp1082Asn). This variant is present in population databases (rs768704859, gnomAD 0.01%). This variant has not been reported in the literature in individuals affected with MYO5B-related conditions. ClinVar contains an entry for this variant (Variation ID: 891283). Advanced modeling of protein sequence and biophysical properties (such as structural, functional, and spatial information, amino acid conservation, physicochemical variation, residue mobility, and thermodynamic stability) performed at Invitae indicates that this missense variant is not expected to disrupt MYO5B protein function with a negative predictive value of 80%. In summary, the available evidence is currently insufficient to determine the role of this variant in disease. Therefore, it has been classified as a Variant of Uncertain Significance.

Illumina Laboratory Services, Illumina
Classification: Uncertain significance for Congenital microvillous atrophy. Last evaluated: 2018-01-12. Review status: criteria provided, single submitter. Criteria: ICSL Variant Classification Criteria 13 December 2019. Collection method: clinical testing. Allele origin: germline.

NM_001080467.3(MYO5B):c.3244G>A (p.Asp1082Asn)

Gene: MYO5B (myosin VB; minus strand). Cytogenetic location: 18q21.1.
Variant type: single nucleotide variant.
Coding change: c.3244G>A on transcript NM_001080467.3 (MANE Select); coding-DNA position 3244, G replaced by A.
Protein change: p.Asp1082Asn; replaces aspartic acid 1082 with asparagine.
Molecular consequence: missense variant.
Genome position (GRCh38, 1-based): chr18:49,878,977, C>T on the plus strand (G>A on the coding strand, the complement: MYO5B is on the minus strand). VCF-style: chr18-49878977-C-T. GRCh37 (hg19) VCF-style: chr18-47405347-C-T.
Other names: short protein forms D1082N.
Identifiers: ClinVar variation 891283 (VCV000891283.8), dbSNP rs768704859, ClinGen allele CA299977211.